The following is an entry in ClinVar:

ClinVar aggregate classification (germline): Benign/Likely benign. Review status: criteria provided, multiple submitters, no conflicts (2 of 4 stars). 4 submissions from 4 submitters: Benign (1); Likely benign (2). 1 of the submissions does not count toward it. Last evaluated 2025-12-03.

Conditions:
COL11A1-related disorder. Also called: COL11A1-related disorders; COL11A1-related condition.

Allele frequency attached by ClinVar (database versions not stated): gnomAD exomes 0.00009 and 0.00018; ExAC 0.00024; gnomAD 0.00036; TOPMed 0.00037; ESP Exome Variant Server 0.00038; 1000 Genomes Project 0.00060; 1000 Genomes Project 30x 0.00062.
gnomAD v4.1: 191 of 1,584,546 alleles (0.012%); highest among the groups gnomAD compares: African/African-American, 0.13%; 1 homozygote.

Submissions (4):

Labcorp Genetics (formerly Invitae), Labcorp
Classification: Benign. Last evaluated: 2025-12-03. Review status: criteria provided, single submitter. Criteria: Invitae Variant Classification Sherloc (09022015). Collection method: clinical testing. Allele origin: germline.

Blueprint Genetics
Classification: Likely benign. Last evaluated: 2024-06-17. Review status: criteria provided, single submitter. Criteria: ACMG Guidelines, 2015. Collection method: clinical testing. Allele origin: germline.

GeneDx
Classification: Likely benign. Last evaluated: 2017-07-13. Review status: criteria provided, single submitter. Criteria: GeneDx Variant Classification (06012015). Collection method: clinical testing. Allele origin: germline. Affected: yes.
Comment: This variant is considered likely benign or benign based on one or more of the following criteria: it is a conservative change, it occurs at a poorly conserved position in the protein, it is predicted to be benign by multiple in silico algorithms, and/or has population frequency not consistent with disease.

PreventionGenetics, part of Exact Sciences
Classification: Likely benign for COL11A1-related condition. Last evaluated: 2023-07-13. Review status: no assertion criteria provided. Collection method: clinical testing. Allele origin: germline. Not counted in ClinVar's aggregate classification.
Comment: This variant is classified as likely benign based on ACMG/AMP sequence variant interpretation guidelines (Richards et al. 2015 PMID: 25741868, with internal and published modifications).

NM_001854.4(COL11A1):c.990+7C>T

Gene: COL11A1 (collagen type XI alpha 1 chain; minus strand). Cytogenetic location: 1p21.1.
Variant type: single nucleotide variant.
Coding change: c.990+7C>T on transcript NM_001854.4 (MANE Select); 7 bases into the intron after coding-DNA position 990, C replaced by T.
Molecular consequence: intron variant.
Genome position (GRCh38, 1-based): chr1:103,025,514, G>A on the plus strand (C>T on the coding strand, the complement: COL11A1 is on the minus strand). VCF-style: chr1-103025514-G-A. GRCh37 (hg19) VCF-style: chr1-103491070-G-A.
Other names: c.873+7C>T (NM_001190709.2); c.1026+7C>T (NM_080629.3); c.897+702C>T (NM_080630.4).
Identifiers: ClinVar variation 510759 (VCV000510759.13), dbSNP rs137867554, ClinGen allele CA975174.